The following is an entry in ClinVar:

NM_004260.4(RECQL4):c.772G>A (p.Gly258Arg)

Gene: RECQL4 (RecQ like helicase 4; minus strand). Cytogenetic location: 8q24.3.
Variant type: single nucleotide variant.
Coding change: c.772G>A on transcript NM_004260.4 (MANE Select); coding-DNA position 772, G replaced by A.
Protein change: p.Gly258Arg; replaces glycine 258 with arginine.
Molecular consequence: missense variant.
Genome position (GRCh38, 1-based): chr8:144,516,347, C>T on the plus strand (G>A on the coding strand, the complement: RECQL4 is on the minus strand). VCF-style: chr8-144516347-C-T. GRCh37 (hg19) VCF-style: chr8-145741731-C-T.
Other names: c.772G>A, p.Gly258Arg (NM_001413017.1, NM_001413018.1, NM_001413019.1 and 4 more transcripts); c.-300G>A (NM_001413021.1, NM_001413022.1, NM_001413023.1 and 7 more transcripts); c.643G>A, p.Gly215Arg (NM_001413025.1); c.-362G>A (NM_001413027.1, NM_001413030.1, NM_001413031.1 and 2 more transcripts); c.421G>A, p.Gly141Arg (NM_001413029.1); c.-204G>A (NM_001413034.1); c.-569G>A (NM_001413043.1); short protein forms G141R, G215R, G258R.
Identifiers: ClinVar variation 2128168 (VCV002128168.4), dbSNP rs2538090395, ClinGen allele CA372689303.

ClinVar aggregate classification (germline): Uncertain significance (1 of 4 stars; one submission).

Conditions:
Baller-Gerold syndrome (BGS). Also called: CRANIOSYNOSTOSIS WITH RADIAL DEFECTS. Identifiers: Orphanet 1225, MedGen C0265308, MONDO:0009039, OMIM 218600.

Submission:

Labcorp Genetics (formerly Invitae), Labcorp
Classification: Uncertain significance for Baller-Gerold syndrome. Last evaluated: 2022-04-22. Review status: criteria provided, single submitter. Criteria: Invitae Variant Classification Sherloc (09022015). Collection method: clinical testing. Allele origin: germline.
Comment: This sequence change replaces glycine, which is neutral and non-polar, with arginine, which is basic and polar, at codon 258 of the RECQL4 protein (p.Gly258Arg). In summary, the available evidence is currently insufficient to determine the role of this variant in disease. Therefore, it has been classified as a Variant of Uncertain Significance. Experimental studies and prediction algorithms are not available or were not evaluated, and the functional significance of this variant is currently unknown. This variant has not been reported in the literature in individuals affected with RECQL4-related conditions. This variant is not present in population databases (gnomAD no frequency).